The following is an entry in ClinVar:

NM_024494.3(WNT2B):c.601G>T (p.Ala201Ser)

Gene: WNT2B (Wnt family member 2B; plus strand). Cytogenetic location: 1p13.2.
Variant type: single nucleotide variant.
Coding change: c.601G>T on transcript NM_024494.3 (MANE Select); coding-DNA position 601, G replaced by T.
Protein change: p.Ala201Ser; replaces alanine 201 with serine.
Molecular consequence: missense variant.
Genome position (GRCh38, 1-based): chr1:112,516,337, G>T. VCF-style: chr1-112516337-G-T. GRCh37 (hg19) VCF-style: chr1-113058959-G-T.
Other names: c.325G>T, p.Ala109Ser (NM_001291880.1); c.544G>T, p.Ala182Ser (NM_004185.4); short protein forms A182S, A201S, A109S.
Identifiers: ClinVar variation 2068511 (VCV002068511.1), dbSNP rs750886290, ClinGen allele CA1008293.

ClinVar aggregate classification (germline): Uncertain significance (1 of 4 stars; one submission).

Allele frequency attached by ClinVar (database versions not stated): gnomAD exomes 0.00001; ExAC 0.00002; TOPMed 0.00002.
gnomAD v4.1: 15 of 1,614,034 alleles (0.00093%); highest among the groups gnomAD compares: Admixed American, 0.005%; no homozygotes.

Submission:

Labcorp Genetics (formerly Invitae), Labcorp
Classification: Uncertain significance. Last evaluated: 2022-02-21. Review status: criteria provided, single submitter. Criteria: Invitae Variant Classification Sherloc (09022015). Collection method: clinical testing. Allele origin: germline.
Comment: This sequence change replaces alanine, which is neutral and non-polar, with serine, which is neutral and polar, at codon 201 of the WNT2B protein (p.Ala201Ser). This variant is present in population databases (rs750886290, gnomAD 0.006%). This variant has not been reported in the literature in individuals affected with WNT2B-related conditions. Algorithms developed to predict the effect of missense changes on protein structure and function (SIFT, PolyPhen-2, Align-GVGD) all suggest that this variant is likely to be tolerated. In summary, the available evidence is currently insufficient to determine the role of this variant in disease. Therefore, it has been classified as a Variant of Uncertain Significance.